The following is an entry in ClinVar:

ClinVar aggregate classification (germline): Uncertain significance. Review status: criteria provided, multiple submitters, no conflicts (2 of 4 stars). 4 submissions from 4 submitters: Uncertain significance (4). Last evaluated 2025-07-16.

Conditions:
Stormorken syndrome (STRMK). Also called: THROMBOCYTOPATHY, ASPLENIA, AND MIOSIS. Identifiers: Orphanet 3204, MedGen C1861451, MONDO:0008497, OMIM 185070.
Myopathy with tubular aggregates (TAM). Also called: Tubular Aggregate Myopathy. Identifiers: Orphanet 2593, MedGen C0410207, MONDO:0008051.
Combined immunodeficiency due to STIM1 deficiency. Also called: STIM1 DEFICIENCY; IMMUNODEFICIENCY 10. Identifiers: Orphanet 169090, Orphanet 317430, MedGen C2748557, MONDO:0013008, OMIM 612783.

Allele frequency attached by ClinVar (database versions not stated): gnomAD 0.00001; gnomAD exomes 0.00001 and 0.00002; ExAC 0.00002; TOPMed 0.00002; ESP Exome Variant Server 0.00008.
gnomAD v4.1: 28 of 1,614,074 alleles (0.0017%); highest among the groups gnomAD compares: Non-Finnish European, 0.0023%; no homozygotes.

Submissions (4):

Labcorp Genetics (formerly Invitae), Labcorp
Classification: Uncertain significance for Myopathy with tubular aggregates; Combined immunodeficiency due to STIM1 deficiency; Stormorken syndrome. Last evaluated: 2025-07-16. Review status: criteria provided, single submitter. Criteria: Invitae Variant Classification Sherloc (09022015). Collection method: clinical testing. Allele origin: germline.
Comment: This sequence change replaces glutamine, which is neutral and polar, with arginine, which is basic and polar, at codon 256 of the STIM1 protein (p.Gln256Arg). This variant is present in population databases (rs201576757, gnomAD 0.002%). This variant has not been reported in the literature in individuals affected with STIM1-related conditions. ClinVar contains an entry for this variant (Variation ID: 806603). Invitae Evidence Modeling of protein sequence and biophysical properties (such as structural, functional, and spatial information, amino acid conservation, physicochemical variation, residue mobility, and thermodynamic stability) has been performed for this missense variant. However, the output from this modeling did not meet the statistical confidence thresholds required to predict the impact of this variant on STIM1 protein function. In summary, the available evidence is currently insufficient to determine the role of this variant in disease. Therefore, it has been classified as a Variant of Uncertain Significance.

Baylor Genetics
Classification: Uncertain significance for Stormorken syndrome. Last evaluated: 2023-06-30. Review status: criteria provided, single submitter. Criteria: ACMG Guidelines, 2015. Collection method: clinical testing. Allele origin: unknown.

Blueprint Genetics
Classification: Uncertain significance. Last evaluated: 2021-10-13. Review status: criteria provided, single submitter. Criteria: ACMG Guidelines, 2015. Collection method: clinical testing. Allele origin: germline.

CeGaT Center for Human Genetics Tuebingen
Classification: Uncertain significance. Last evaluated: 2019-05-01. Review status: criteria provided, single submitter. Criteria: CeGaT Center For Human Genetics Tuebingen Variant Classification Criteria Version 2. Collection method: clinical testing. Allele origin: germline. Affected: yes. Observed: 1 variant allele.

NM_001382567.1(STIM1):c.767A>G (p.Gln256Arg)

Gene: STIM1 (stromal interaction molecule 1; plus strand). Cytogenetic location: 11p15.4.
Variant type: single nucleotide variant.
Coding change: c.767A>G on transcript NM_001382567.1 (MANE Select); coding-DNA position 767, A replaced by G.
Protein change: p.Gln256Arg; replaces glutamine 256 with arginine.
Molecular consequence: missense variant. On other transcripts: non-coding transcript variant (2).
Genome position (GRCh38, 1-based): chr11:4,070,179, A>G. VCF-style: chr11-4070179-A-G. GRCh37 (hg19) VCF-style: chr11-4091409-A-G.
Other names: c.767A>G, p.Gln256Arg (NM_001277961.3, NM_001277962.2, NM_001382568.1 and 2 more transcripts); c.545A>G, p.Gln182Arg (NM_001382566.1, NM_001382573.1, NM_001382574.1 and 5 more transcripts); c.632A>G, p.Gln211Arg (NM_001382569.1); c.539A>G, p.Gln180Arg (NM_001382570.1); c.287A>G, p.Gln96Arg (NM_001382571.1); c.278A>G, p.Gln93Arg (NM_001382580.1, NM_001382581.1); short protein forms Q256R, Q180R, Q182R, Q211R, Q93R, Q96R.
Identifiers: ClinVar variation 806603 (VCV000806603.52), dbSNP rs201576757, ClinGen allele CA5830309.